The following is an entry in ClinVar:

ClinVar aggregate classification (germline): Likely benign. Review status: criteria provided, multiple submitters, no conflicts (2 of 4 stars). 6 submissions from 6 submitters: Likely benign (5). 1 of the submissions does not count toward it. Last evaluated 2026-02-01.

Conditions:
Infantile neuroaxonal dystrophy (NBIA2A). Also called: NEURODEGENERATION WITH BRAIN IRON ACCUMULATION 2A; SEITELBERGER DISEASE; Infantile neuroaxonal dystrophy 1. Identifiers: Orphanet 35069, MedGen C0270724, MONDO:0024457, OMIM 256600.

Allele frequency attached by ClinVar (database versions not stated): gnomAD 0.00017 and 0.00016; ExAC 0.00009; gnomAD exomes 0.00012; ESP Exome Variant Server 0.00023; TOPMed 0.00028; 1000 Genomes Project 30x 0.00047; 1000 Genomes Project 0.00060.
gnomAD v4.1: 214 of 1,614,162 alleles (0.013%); highest among the groups gnomAD compares: Middle Eastern, 0.18%; no homozygotes.

Submissions (6):

Labcorp Genetics (formerly Invitae), Labcorp
Classification: Likely benign for Infantile neuroaxonal dystrophy. Last evaluated: 2026-02-01. Review status: criteria provided, single submitter. Criteria: Invitae Variant Classification Sherloc (09022015). Collection method: clinical testing. Allele origin: germline.

Mayo Clinic Laboratories, Mayo Clinic
Classification: Likely benign. Last evaluated: 2025-09-16. Review status: criteria provided, single submitter. Criteria: ACMG Guidelines, 2015. Collection method: clinical testing. Allele origin: germline. Observed: 1 variant allele.
Comment: BS1, BP4, BP7

CeGaT Center for Human Genetics Tuebingen
Classification: Likely benign. Last evaluated: 2025-05-01. Review status: criteria provided, single submitter. Criteria: CeGaT Center For Human Genetics Tuebingen Variant Classification Criteria Version 2. Collection method: clinical testing. Allele origin: germline. Affected: yes. Observed: 2 variant alleles.
Comment: PLA2G6: BP4, BP7

Laboratory of Genetics, Children's Clinical University Hospital Latvia
Classification: Likely benign. Last evaluated: 2025-02-16. Review status: criteria provided, single submitter. Criteria: ACMG Guidelines, 2015. Collection method: clinical testing. Allele origin: germline. Affected: yes.

GeneDx
Classification: Likely benign. Last evaluated: 2021-05-11. Review status: criteria provided, single submitter. Criteria: GeneDx Variant Classification Process June 2021. Collection method: clinical testing. Allele origin: germline. Affected: yes.
Comment: This variant is associated with the following publications: (PMID: 30232368)

Department of Pathology and Laboratory Medicine, Sinai Health System
Classification: Uncertain significance. Review status: no assertion criteria provided. Collection method: clinical testing. Allele origin: unknown. Affected: yes. Study: The Canadian Open Genetics Repository (COGR). Not counted in ClinVar's aggregate classification.
Comment: The PLA2G6 p.Pro25Leu variant was not identified in the literature nor was it identified in ClinVar, Cosmic or LOVD 3.0. The variant was identified in dbSNP (ID: rs185396488) and in control databases in 37 of 282882 chromosomes at a frequency of 0.000131 (Genome Aggregation Database Feb 27, 2017). The variant was observed in the following populations: Other in 4 of 7228 chromosomes (freq: 0.000553), Latino in 8 of 35438 chromosomes (freq: 0.000226), European (non-Finnish) in 22 of 129190 chromosomes (freq: 0.00017), East Asian in 2 of 19954 chromosomes (freq: 0.0001) and African in 1 of 24964 chromosomes (freq: 0.00004), but not in the Ashkenazi Jewish, European (Finnish), and South Asian populations. The variant occurs outside of the splicing consensus sequence and in silico or computational prediction software programs (SpliceSiteFinder, MaxEntScan, NNSPLICE, GeneSplicer) do not predict a difference in splicing. The p.Pro25 residue is conserved in across mammals and other organisms however computational analyses (SIFT, AlignGVGD, BLOSUM, MutationTaster) suggest that the variant may impact the protein; however, this information is not predictive enough to assume pathogenicity. In summary, based on the above information the clinical significance of this variant cannot be determined with certainty at this time. This variant is classified as a variant of uncertain significance.

Literature cited by the submitters: PubMed 30232368 (cited by Mayo Clinic Laboratories, Mayo Clinic).

NM_003560.4(PLA2G6):c.564C>T (p.Thr188=)

Gene: PLA2G6 (phospholipase A2 group VI; minus strand). Cytogenetic location: 22q13.1.
Variant type: single nucleotide variant.
Coding change: c.564C>T on transcript NM_003560.4 (MANE Select); coding-DNA position 564, C replaced by T.
Protein change: p.Thr188=; no amino-acid change (threonine 188 retained).
Molecular consequence: synonymous variant. On other transcripts: missense variant (1).
Genome position (GRCh38, 1-based): chr22:38,143,150, G>A on the plus strand (C>T on the coding strand, the complement: PLA2G6 is on the minus strand). VCF-style: chr22-38143150-G-A. GRCh37 (hg19) VCF-style: chr22-38539157-G-A.
Other names: p.Thr188=; c.564C>T, p.Thr188= (NM_001004426.3, NM_001199562.3, NM_001349864.2 and 2 more transcripts); c.30C>T, p.Thr10= (NM_001349867.2, NM_001349869.2); c.74C>T, p.Pro25Leu (NM_001349868.2); short protein forms P25L.
Identifiers: ClinVar variation 704769 (VCV000704769.45), dbSNP rs185396488, ClinGen allele CA10231231.